The following is an entry in ClinVar:

ClinVar aggregate classification (germline): Likely benign (0 of 4 stars; one submission).

Conditions:
PKHD1L1-related disorder. Also called: PKHD1L1-related condition.

Allele frequency attached by ClinVar (database versions not stated): 1000 Genomes Project 30x 0.00109; 1000 Genomes Project 0.00120; ESP Exome Variant Server 0.00140; TOPMed 0.00164; gnomAD 0.00181; ExAC 0.00231; gnomAD exomes 0.00263.
gnomAD v4.1: 4,071 of 1,612,258 alleles (0.25%); highest among the groups gnomAD compares: Non-Finnish European, 0.29%; 7 homozygotes.

Submission:

PreventionGenetics, part of Exact Sciences
Classification: Likely benign for PKHD1L1-related condition. Last evaluated: 2024-02-23. Review status: no assertion criteria provided. Collection method: clinical testing. Allele origin: germline.
Comment: This variant is classified as likely benign based on ACMG/AMP sequence variant interpretation guidelines (Richards et al. 2015 PMID: 25741868, with internal and published modifications).

NM_177531.6(PKHD1L1):c.9835C>T (p.Arg3279Cys)

Gene: PKHD1L1 (PKHD1 like 1; plus strand). Cytogenetic location: 8q23.1.
Variant type: single nucleotide variant.
Coding change: c.9835C>T on transcript NM_177531.6 (MANE Select); coding-DNA position 9835, C replaced by T.
Protein change: p.Arg3279Cys; replaces arginine 3279 with cysteine.
Molecular consequence: missense variant.
Genome position (GRCh38, 1-based): chr8:109,486,776, C>T. VCF-style: chr8-109486776-C-T. GRCh37 (hg19) VCF-style: chr8-110499005-C-T.
Other names: short protein forms R3279C.
Identifiers: ClinVar variation 3041507 (VCV003041507.2), dbSNP rs189682035, ClinGen allele CA4846436.